The following is an entry in ClinVar:

ClinVar aggregate classification (germline): Conflicting classifications of pathogenicity. Review status: criteria provided, conflicting classifications (1 of 4 stars). 3 submissions from 2 submitters: Uncertain significance (1); Benign (1); Likely benign (1). Last evaluated 2018-02-27.

Conditions:
Emery-Dreifuss muscular dystrophy 4, autosomal dominant (EDMD4). Also called: EMERY-DREIFUSS MUSCULAR DYSTROPHY 4 WITH VARIABLE FEATURES. Identifiers: Orphanet 261, MedGen C2751807, MONDO:0013071, OMIM 612998.
Autosomal recessive ataxia, Beauce type. Also called: SYNE1 Deficiency; SYNE1-Related Autosomal Recessive Cerebellar Ataxia; Spinocerebellar ataxia, autosomal recessive 8; ATAXIA, RECESSIVE, OF BEAUCE. Identifiers: Orphanet 88644, MedGen C1853116, MONDO:0012549, OMIM 610743.

Allele frequency attached by ClinVar (database versions not stated): ESP Exome Variant Server 0.00015; gnomAD 0.00031; gnomAD exomes 0.00032 and 0.00037; TOPMed 0.00032; ExAC 0.00039.
gnomAD v4.1: 559 of 1,560,164 alleles (0.036%); highest among the groups gnomAD compares: Non-Finnish European, 0.046%; no homozygotes.

Submissions (3):

GeneDx
Classification: Likely benign. Last evaluated: 2018-02-27. Review status: criteria provided, single submitter. Criteria: GeneDx Variant Classification (06012015). Collection method: clinical testing. Allele origin: germline. Affected: yes.
Comment: This variant is considered likely benign or benign based on one or more of the following criteria: it is a conservative change, it occurs at a poorly conserved position in the protein, it is predicted to be benign by multiple in silico algorithms, and/or has population frequency not consistent with disease.

Illumina Laboratory Services, Illumina
Classification: Uncertain significance for Autosomal recessive ataxia, Beauce type. Last evaluated: 2018-01-12. Review status: criteria provided, single submitter. Criteria: ICSL Variant Classification Criteria 13 December 2019. Collection method: clinical testing. Allele origin: germline.

Illumina Laboratory Services, Illumina
Classification: Benign for Emery-Dreifuss muscular dystrophy 4, autosomal dominant. Last evaluated: 2018-01-12. Review status: criteria provided, single submitter. Criteria: ICSL Variant Classification Criteria 13 December 2019. Collection method: clinical testing. Allele origin: germline.
Comment: This variant was observed in the ICSL laboratory as part of a predisposition screen in an ostensibly healthy population. It had not been previously curated by ICSL or reported in the Human Gene Mutation Database (HGMD: prior to June 1st, 2018), and was therefore a candidate for classification through an automated scoring system. Utilizing variant allele frequency, disease prevalence and penetrance estimates, and inheritance mode, an automated score was calculated to assess if this variant is too frequent to cause the disease. Based on the score and internal cut-off values, a variant classified as benign is not then subjected to further curation. The score for this variant resulted in a classification of benign for this disease.

NM_182961.4(SYNE1):c.-49C>T

Gene: SYNE1 (spectrin repeat containing nuclear envelope protein 1; minus strand). Cytogenetic location: 6q25.2.
Variant type: single nucleotide variant.
Coding change: c.-49C>T on transcript NM_182961.4 (MANE Select); 49 bases upstream of the start codon, C replaced by T.
Molecular consequence: 5 prime UTR variant.
Genome position (GRCh38, 1-based): chr6:152,628,380, G>A on the plus strand (C>T on the coding strand, the complement: SYNE1 is on the minus strand). VCF-style: chr6-152628380-G-A. GRCh37 (hg19) VCF-style: chr6-152949515-G-A.
Other names: c.-49C>T (NM_033071.5).
Identifiers: ClinVar variation 355952 (VCV000355952.5), dbSNP rs373654060, ClinGen allele CA4059937.